The following is an entry in ClinVar:

NC_000009.11:g.380449_468082del

Gene: DOCK8 (dedicator of cytokinesis 8; plus strand). Cytogenetic location: 9p24.3.
Variant type: Deletion.
Identifiers: ClinVar variation 4884344 (VCV004884344.1).

ClinVar aggregate classification (germline): Likely pathogenic (1 of 4 stars; one submission).

Conditions:
Combined immunodeficiency due to DOCK8 deficiency (HIES2). Also called: HIES autosomal recessive; DOCK8 Deficiency; HYPER-IgE RECURRENT INFECTION SYNDROME 2, AUTOSOMAL RECESSIVE; Hyper-IgE recurrent infection syndrome, autosomal recessive; HYPER-IgE SYNDROME 2, AUTOSOMAL RECESSIVE, WITH RECURRENT INFECTIONS. Identifiers: Orphanet 217390, MedGen C4722305, MONDO:0009478, OMIM 243700.

Submission:

Next Generation Genetic Polyclinic
Classification: Likely pathogenic for Combined immunodeficiency due to DOCK8 deficiency. Review status: criteria provided, single submitter. Criteria: ACMG Guidelines, 2015. Collection method: clinical testing. Allele origin: germline. Inheritance: Autosomal recessive inheritance. Affected: yes. Observed: 1 variant allele, 1 homozygote.
Comment: The NC_000009.11 HG38: 9p24.3 | DEL:chr9:380,449-468,082, encompassing exons 21 to 48 of the DOCK8 gene, is a homozygous multi-exon deletion that removes a large portion of the coding sequence, including the critical DOCK homology regions, resulting in an absent or severely disrupted protein product (PVS1). This variant was identified in a proband with a highly specific phenotype for DOCK8 deficiency, including eosinophilia, markedly elevated IgE >2500 IU/mL, recurrent pneumonia, otitis media, and combined immunodeficiency, which together constitute a highly specific phenotype for autosomal recessive DOCK8 deficiency (PP4). The variant is not present in population databases such as gnomAD (PM2_sup). In summary, this variant meets criteria to be classified as pathogenic for DOCK8 deficiency based on the ACMG/AMP criteria applied: PVS1, PP4, PM2_sup, PM3_sup.

Literature cited by the submitters: PubMed 20004785.